The following is an entry in ClinVar:

NM_024496.4(IRF2BPL):c.1448G>A (p.Arg483His)

Gene: IRF2BPL (interferon regulatory factor 2 binding protein like; minus strand). Cytogenetic location: 14q24.3.
Variant type: single nucleotide variant.
Coding change: c.1448G>A on transcript NM_024496.4 (MANE Select); coding-DNA position 1448, G replaced by A.
Protein change: p.Arg483His; replaces arginine 483 with histidine.
Molecular consequence: missense variant.
Genome position (GRCh38, 1-based): chr14:77,026,345, C>T on the plus strand (G>A on the coding strand, the complement: IRF2BPL is on the minus strand). VCF-style: chr14-77026345-C-T. GRCh37 (hg19) VCF-style: chr14-77492688-C-T.
Other names: short protein forms R483H.
Identifiers: ClinVar variation 1215799 (VCV001215799.5), dbSNP rs1411508959, ClinGen allele CA390494159.

ClinVar aggregate classification (germline): Likely pathogenic (1 of 4 stars; one submission).

Submission:

GeneDx
Classification: Likely pathogenic. Last evaluated: 2025-03-06. Review status: criteria provided, single submitter. Criteria: GeneDx Variant Classification Process June 2021. Collection method: clinical testing. Allele origin: germline. Affected: yes.
Comment: Not observed at significant frequency in large population cohorts (gnomAD); In silico analysis supports that this missense variant has a deleterious effect on protein structure/function; Has not been previously published as pathogenic or benign to our knowledge